The following is an entry in ClinVar:

NM_012309.5(SHANK2):c.5353C>T (p.Leu1785=)

Gene: SHANK2 (SH3 and multiple ankyrin repeat domains 2; minus strand). Cytogenetic location: 11q13.3.
Variant type: single nucleotide variant.
Coding change: c.5353C>T on transcript NM_012309.5 (MANE Select); coding-DNA position 5353, C replaced by T.
Protein change: p.Leu1785=; no amino-acid change (leucine 1785 retained).
Molecular consequence: synonymous variant. On other transcripts: 3 prime UTR variant (1), non-coding transcript variant (1).
Genome position (GRCh38, 1-based): chr11:70,473,066, G>A on the plus strand (C>T on the coding strand, the complement: SHANK2 is on the minus strand). VCF-style: chr11-70473066-G-A. GRCh37 (hg19) VCF-style: chr11-70319171-G-A.
Other names: c.4216C>T, p.Leu1406= (NM_001379226.1); c.5473C>T, p.Leu1825= (NM_001441024.1); c.5302C>T, p.Leu1768= (NM_001441025.1, NM_001441026.1, NM_001441027.1 and 7 more transcripts); c.5275C>T, p.Leu1759= (NM_001441035.1, NM_001441036.1, NM_001441037.1); c.5230C>T, p.Leu1744= (NM_001441038.1); c.*409C>T (NM_001441039.1); c.4186C>T, p.Leu1396= (NM_001441040.1); c.4138C>T, p.Leu1380= (NM_001441041.1); and 7 more.
Identifiers: ClinVar variation 4795340 (VCV004795340.1).
Genomic context (GRCh38, chr11:70,473,066, plus strand): 5'-CTTTATGTTCACCCAAGTTTAGACTTTCCAGCCAATCGGCCACATCTGGTTTAGTCCACA[G>A]GTGGACAGGTTTAGTTGTAAAAGGCTTATTTGAGATTGGCTGTTGCAGTATCGAGGGGGA-3'
Protein context (NP_036441.2, residues 1775-1795): NKPFTTKPVH[Leu1785=]WTKPDVADWL

ClinVar aggregate classification (germline): Uncertain significance (1 of 4 stars; one submission).

gnomAD v4.1: 1 of 1,614,244 alleles (0.000062%); highest among the groups gnomAD compares: South Asian, 0.0011%; no homozygotes.

Submission:

GeneDx
Classification: Uncertain significance. Last evaluated: 2025-08-15. Review status: criteria provided, single submitter. Criteria: GeneDx Variant Classification Process June 2021. Collection method: clinical testing. Allele origin: germline. Affected: yes.
Comment: Not observed at significant frequency in large population cohorts (gnomAD); In silico analysis suggests that this variant does not alter splicing; Has not been previously published as pathogenic or benign to our knowledge